The following is an entry in ClinVar:

GRCh37/hg19 14q32.2-32.33(chr14:101180490-106329074)x1

Genes: ADSS1 (adenylosuccinate synthase 1; plus strand), AHNAK2 (AHNAK nucleoprotein 2; minus strand), AKT1 (AKT serine/threonine kinase 1; minus strand), AMN (amnion associated transmembrane protein; plus strand), ANKRD9 (ankyrin repeat domain 9; minus strand) and 85 more. Cytogenetic location: 14q32.2-32.33.
Variant type: copy number loss.
Change: copy number 1 (one copy instead of two) of chr14:101,180,490-106,329,074 (5.15 Mb, GRCh37 coordinates, 1-based), cytogenetic band 14q32.2-32.33.
Identifiers: ClinVar variation 4682849 (VCV004682849.1).

ClinVar aggregate classification (germline): Pathogenic (1 of 4 stars; one submission).

Submission:

Quest Diagnostics Nichols Institute San Juan Capistrano
Classification: Pathogenic. Last evaluated: 2025-01-02. Review status: criteria provided, single submitter. Criteria: ACMG/ClinGen CNV Guidelines, 2019. Collection method: clinical testing. Allele origin: unknown.
Comment: This 14q32.2q32.33 deletion involves at least 67 protein-coding genes. Haploinsufficiency of the DLK1-MEG3 intergenic region has been associated with multiple congenital anomalies due to a 14q32.2 imprinting defect (ISCA-37447). Depending on the parental origin of the 14q32.2 deletion, individuals may present with Temple syndrome (TS; OMIM 616222) or Kagami-Ogata syndrome (KOS; OMIM 608149). Additionally, heterozygous deletions within 14q32.31q32.33 have been identified in individuals with various phenotypes (Holder 2012, Monteiro 2017, Qiao 2013, Segel 2015). There are no similar copy number losses of this region in the general populations of the Database of Genomic Variants. Thus, this copy number variant (CNV) is classified as pathogenic. References: Holder JL et al., Am J Med Genet A. 2012 Aug;158A(8):1962-6. PMID: 22488736 Monteiro et al., Mol Syndromol. 2017 Aug;8(5):227-235. PMID: 28878606 Qiao et al., Clin Genet. 2013 Feb;83(2):145-54. PMID: 22369279 Segel et al., Neurology. 2015 Apr 21;84(16):1660-8. PMID: 25817843